The following is an entry in ClinVar:

ClinVar aggregate classification (germline): Uncertain significance. Review status: criteria provided, multiple submitters, no conflicts (2 of 4 stars). 2 submissions from 2 submitters: Uncertain significance (2). Last evaluated 2023-10-23.

Conditions:
Retinal arterial tortuosity. Also called: Retinal arteries, tortuosity of; RETINAL HEMORRHAGE WITH VASCULAR TORTUOSITY. Identifiers: Orphanet 75326, MedGen C0423401, MONDO:0008373, OMIM 180000, HP:0000631.
Brain small vessel disease 1 with or without ocular anomalies (BSVD1). Also called: PORENCEPHALY, TYPE 1, AUTOSOMAL DOMINANT; GOULD SYNDROME 1; BRAIN SMALL VESSEL DISEASE WITH HEMORRHAGE; Brain small vessel disease with or without ocular anomalies. Identifiers: Orphanet 2940, Orphanet 36383, Orphanet 99810, MedGen C4755307, MONDO:0008289, OMIM 175780.
Microangiopathy and leukoencephalopathy, pontine, autosomal dominant. Also called: Pontine autosomal dominant microangiopathy with leukoencephalopathy; DEMENTIA, HEREDITARY MULTI-INFARCT, SWEDISH TYPE. Identifiers: Orphanet 477749, MedGen C5231411, MONDO:0032814, OMIM 618564.
Hemorrhage, intracerebral, susceptibility to (ICH). Also called: Stroke, hemorrhagic, susceptibility to. Identifiers: MedGen C3281105, MONDO:0100533, OMIM 614519.
Autosomal dominant familial hematuria-retinal arteriolar tortuosity-contractures syndrome. Also called: Hereditary Angiopathy with Nephropathy, Aneurysms, and Muscle Cramps (HANAC) Syndrome; Angiopathy, hereditary, with nephropathy, aneurysms, and muscle cramps. Identifiers: Orphanet 73229, MedGen C2673195, MONDO:0012726, OMIM 611773.

Allele frequency attached by ClinVar (database versions not stated): gnomAD exomes below 0.00001; TOPMed below 0.00001.
gnomAD v4.1: 5 of 1,613,808 alleles (0.00031%); highest among the groups gnomAD compares: Middle Eastern, 0.033%; no homozygotes.

Submissions (2):

Labcorp Genetics (formerly Invitae), Labcorp
Classification: Uncertain significance. Last evaluated: 2023-10-23. Review status: criteria provided, single submitter. Criteria: Invitae Variant Classification Sherloc (09022015). Collection method: clinical testing. Allele origin: germline.
Comment: This sequence change replaces glutamine, which is neutral and polar, with arginine, which is basic and polar, at codon 728 of the COL4A1 protein (p.Gln728Arg). This variant is not present in population databases (gnomAD no frequency). This variant has not been reported in the literature in individuals affected with COL4A1-related conditions. ClinVar contains an entry for this variant (Variation ID: 1403737). An algorithm developed to predict the effect of missense changes on protein structure and function (PolyPhen-2) suggests that this variant is likely to be disruptive. In summary, the available evidence is currently insufficient to determine the role of this variant in disease. Therefore, it has been classified as a Variant of Uncertain Significance.

Fulgent Genetics
Classification: Uncertain significance for Brain small vessel disease 1 with or without ocular anomalies; Retinal arterial tortuosity; Autosomal dominant familial hematuria-retinal arteriolar tortuosity-contractures syndrome; Hemorrhage, intracerebral, susceptibility to; Microangiopathy and leukoencephalopathy, pontine, autosomal dominant. Last evaluated: 2022-05-09. Review status: criteria provided, single submitter. Criteria: ACMG Guidelines, 2015. Collection method: clinical testing. Allele origin: unknown.

NM_001845.6(COL4A1):c.2183A>G (p.Gln728Arg)

Gene: COL4A1 (collagen type IV alpha 1 chain; minus strand). Cytogenetic location: 13q34.
Variant type: single nucleotide variant.
Coding change: c.2183A>G on transcript NM_001845.6 (MANE Select); coding-DNA position 2183, A replaced by G.
Protein change: p.Gln728Arg; replaces glutamine 728 with arginine.
Molecular consequence: missense variant.
Genome position (GRCh38, 1-based): chr13:110,181,302, T>C on the plus strand (A>G on the coding strand, the complement: COL4A1 is on the minus strand). VCF-style: chr13-110181302-T-C. GRCh37 (hg19) VCF-style: chr13-110833649-T-C.
Other names: short protein forms Q728R.
Identifiers: ClinVar variation 1403737 (VCV001403737.9), dbSNP rs1878139161, ClinGen allele CA388668855.